The following is an entry in ClinVar:

NM_005612.5(REST):c.1925C>T (p.Ala642Val)

Gene: REST (RE1 silencing transcription factor; plus strand). Cytogenetic location: 4q12.
Variant type: single nucleotide variant.
Coding change: c.1925C>T on transcript NM_005612.5 (MANE Select); coding-DNA position 1925, C replaced by T.
Protein change: p.Ala642Val; replaces alanine 642 with valine.
Molecular consequence: missense variant.
Genome position (GRCh38, 1-based): chr4:56,930,783, C>T. VCF-style: chr4-56930783-C-T. GRCh37 (hg19) VCF-style: chr4-57796949-C-T.
Other names: c.1925C>T (NM_005612.4); c.1925C>T, p.Ala642Val (NM_001193508.2, NM_001363453.3); short protein forms A642V.
Identifiers: ClinVar variation 1016350 (VCV001016350.9), dbSNP rs1461770315, ClinGen allele CA357007717.

ClinVar aggregate classification (germline): Uncertain significance. Review status: criteria provided, multiple submitters, no conflicts (2 of 4 stars). 2 submissions from 2 submitters: Uncertain significance (2). Last evaluated 2025-11-05.

Conditions:
Inborn genetic diseases. Identifiers: MedGen C0950123, MeSH D030342.

Allele frequency attached by ClinVar (database versions not stated): gnomAD exomes below 0.00001; TOPMed 0.00002.
gnomAD v4.1: 1 of 1,604,414 alleles (0.000062%); highest among the groups gnomAD compares: Non-Finnish European, 0.000085%; no homozygotes.

Submissions (2):

Ambry Genetics
Classification: Uncertain significance for Inborn genetic diseases. Last evaluated: 2025-11-05. Review status: criteria provided, single submitter. Criteria: Ambry Variant Classification Scheme 2023. Collection method: clinical testing. Allele origin: germline.

Labcorp Genetics (formerly Invitae), Labcorp
Classification: Uncertain significance. Last evaluated: 2025-10-13. Review status: criteria provided, single submitter. Criteria: Invitae Variant Classification Sherloc (09022015). Collection method: clinical testing. Allele origin: germline.
Comment: This sequence change replaces alanine, which is neutral and non-polar, with valine, which is neutral and non-polar, at codon 642 of the REST protein (p.Ala642Val). This variant is not present in population databases (gnomAD no frequency). This variant has not been reported in the literature in individuals affected with REST-related conditions. ClinVar contains an entry for this variant (Variation ID: 1016350). An algorithm developed to predict the effect of missense changes on protein structure and function outputs the following: PolyPhen-2: "Benign". The valine amino acid residue is found in multiple mammalian species, which suggests that this missense change does not adversely affect protein function. In summary, the available evidence is currently insufficient to determine the role of this variant in disease. Therefore, it has been classified as a Variant of Uncertain Significance.